The following is an entry in ClinVar:

ClinVar aggregate classification (germline): Conflicting classifications of pathogenicity. Review status: criteria provided, conflicting classifications (1 of 4 stars). 10 submissions from 10 submitters: Uncertain significance (2); Likely benign (7). 1 of the submissions does not count toward it. Last evaluated 2026-06-01.

Conditions:
Inborn genetic diseases. Identifiers: MedGen C0950123, MeSH D030342.
Smith-Lemli-Opitz syndrome (SLOS). Also called: LETHAL ACRODYSGENITAL SYNDROME; POLYDACTYLY, SEX REVERSAL, RENAL HYPOPLASIA, AND UNILOBAR LUNG; RSH SYNDROME; RUTLEDGE LETHAL MULTIPLE CONGENITAL ANOMALY SYNDROME; 7-Dehydrocholesterol reductase deficiency. Identifiers: Orphanet 818, MedGen C0175694, MONDO:0010035, OMIM 270400.

Allele frequency attached by ClinVar (database versions not stated): 1000 Genomes Project 0.00020; 1000 Genomes Project 30x 0.00047; gnomAD 0.00054; TOPMed 0.00070; ESP Exome Variant Server 0.00085.
gnomAD v4.1: 1,798 of 1,612,750 alleles (0.11%); highest among the groups gnomAD compares: Non-Finnish European, 0.13%; 4 homozygotes.

Submissions (10):

CeGaT Center for Human Genetics Tuebingen
Classification: Likely benign. Last evaluated: 2026-06-01. Review status: criteria provided, single submitter. Criteria: CeGaT Center For Human Genetics Tuebingen Variant Classification Criteria Version 2. Collection method: clinical testing. Allele origin: germline. Affected: yes. Observed: 10 variant alleles.
Comment: DHCR7: BP4, BP7

Labcorp Genetics (formerly Invitae), Labcorp
Classification: Likely benign for Smith-Lemli-Opitz syndrome. Last evaluated: 2026-01-28. Review status: criteria provided, single submitter. Criteria: Invitae Variant Classification Sherloc (09022015). Collection method: clinical testing. Allele origin: germline.

Blueprint Genetics
Classification: Likely benign. Last evaluated: 2024-11-26. Review status: criteria provided, single submitter. Criteria: ACMG Guidelines, 2015. Collection method: clinical testing. Allele origin: germline.

Women's Health and Genetics/Laboratory Corporation of America, LabCorp
Classification: Likely benign. Last evaluated: 2021-04-05. Review status: criteria provided, single submitter. Criteria: LabCorp Variant Classification Summary - May 2015. Collection method: clinical testing. Allele origin: germline.

Genetic Services Laboratory, University of Chicago
Classification: Likely benign. Last evaluated: 2019-05-22. Review status: criteria provided, single submitter. Criteria: ACMG Guidelines, 2015. Collection method: clinical testing. Allele origin: germline. Affected: no.

Eurofins Ntd Llc (ga)
Classification: Uncertain significance. Last evaluated: 2018-08-22. Review status: criteria provided, single submitter. Criteria: EGL ClinVar v180209 classification definitions. Collection method: clinical testing. Allele origin: germline. Observed: 7 variant alleles, 7 heterozygotes.

Illumina Laboratory Services, Illumina
Classification: Uncertain significance for Smith-Lemli-Opitz syndrome. Last evaluated: 2018-01-12. Review status: criteria provided, single submitter. Criteria: ICSL Variant Classification Criteria 13 December 2019. Collection method: clinical testing. Allele origin: germline.

Ambry Genetics
Classification: Likely benign for Inborn genetic diseases. Last evaluated: 2016-07-29. Review status: criteria provided, single submitter. Criteria: Ambry Variant Classification Scheme 2023. Collection method: clinical testing. Allele origin: germline.

PreventionGenetics, part of Exact Sciences
Classification: Likely benign. Review status: criteria provided, single submitter. Criteria: ACMG Guidelines, 2015. Collection method: clinical testing. Allele origin: germline.

Natera, Inc.
Classification: Likely benign for Smith-Lemli-Opitz syndrome. Last evaluated: 2020-09-16. Review status: no assertion criteria provided. Collection method: clinical testing. Allele origin: germline. Not counted in ClinVar's aggregate classification.

NM_001360.3(DHCR7):c.1368C>T (p.Gly456=)

Gene: DHCR7 (7-dehydrocholesterol reductase; minus strand). Cytogenetic location: 11q13.4.
Variant type: single nucleotide variant.
Coding change: c.1368C>T on transcript NM_001360.3 (MANE Select); coding-DNA position 1368, C replaced by T.
Protein change: p.Gly456=; no amino-acid change (glycine 456 retained).
Molecular consequence: synonymous variant.
Genome position (GRCh38, 1-based): chr11:71,435,435, G>A on the plus strand (C>T on the coding strand, the complement: DHCR7 is on the minus strand). VCF-style: chr11-71435435-G-A. GRCh37 (hg19) VCF-style: chr11-71146481-G-A.
Other names: c.1368C>T, p.Gly456= (NM_001163817.2).
Identifiers: ClinVar variation 93710 (VCV000093710.88), dbSNP rs144562471, ClinGen allele CA221653.